The following is an entry in ClinVar:

ClinVar aggregate classification (germline): Uncertain significance. Review status: criteria provided, multiple submitters, no conflicts (2 of 4 stars). 5 submissions from 5 submitters: Uncertain significance (5). Last evaluated 2025-11-24.

Conditions:
CBS-related disorder. Also called: CBS-related condition.
Cardiovascular phenotype. Identifiers: MedGen CN230736.
Familial thoracic aortic aneurysm and aortic dissection (TAAD). Also called: Thoracic aortic aneurysms and dissections. Identifiers: Orphanet 91387, MedGen C4707243, MONDO:0019625.
HYPERHOMOCYSTEINEMIA, THROMBOTIC, CBS-RELATED. Identifiers: MedGen C3150344, OMIM 236200.

Allele frequency attached by ClinVar (database versions not stated): ExAC 0.00003; ESP Exome Variant Server 0.00008.

Submissions (5):

PreventionGenetics, part of Exact Sciences
Classification: Uncertain significance for CBS-related condition. Last evaluated: 2025-11-24. Review status: criteria provided, single submitter. Criteria: ACMG Guidelines, 2015. Collection method: clinical testing. Allele origin: germline.
Comment: The CBS c.103G>T variant is predicted to result in the amino acid substitution p.Asp35Tyr. To our knowledge, this variant has not been reported in the literature. This variant is reported in 0.0071% of alleles in individuals of European (Non-Finnish) descent in gnomAD. An alternate missense change at the same amino acid position (p.Asp35Gln) has been reported in an individual that tested positive in a newborn screen for CBS deficiency. However, the variant was found to be in cis with a nonsense variant (p.Trp43*) and therefore the p.Asp35Gln variant was speculated to be benign (Katsushima et al. 2005. PubMed ID: 16307898). At this time, the clinical significance of this variant is uncertain due to the absence of conclusive functional and genetic evidence.

Molecular Diagnostic Laboratory for Inherited Cardiovascular Disease, Montreal Heart Institute
Classification: Uncertain significance for Cardiovascular phenotype. Last evaluated: 2025-04-09. Review status: criteria provided, single submitter. Criteria: ACMG Guidelines, 2015. Collection method: clinical testing. Allele origin: germline. Affected: yes.

GeneDx
Classification: Uncertain significance. Last evaluated: 2024-11-13. Review status: criteria provided, single submitter. Criteria: GeneDx Variant Classification Process June 2021. Collection method: clinical testing. Allele origin: germline. Affected: yes.
Comment: Not observed at significant frequency in large population cohorts (gnomAD); In silico analysis indicates that this missense variant does not alter protein structure/function; Has not been previously published as pathogenic or benign to our knowledge

Ambry Genetics
Classification: Uncertain significance for Familial thoracic aortic aneurysm and aortic dissection. Last evaluated: 2024-04-11. Review status: criteria provided, single submitter. Criteria: Ambry Variant Classification Scheme 2023. Collection method: clinical testing. Allele origin: germline.
Comment: The p.D35Y variant (also known as c.103G>T), located in coding exon 1 of the CBS gene, results from a G to T substitution at nucleotide position 103. The aspartic acid at codon 35 is replaced by tyrosine, an amino acid with highly dissimilar properties. In one study, a different alteration located at the same position, p.D35Q (c.103G>A), was detected in an individual with non B6 responsive homocystinuria. This alteration was confirmed to be in cis with CBS p.W43* (c.129G>A) and in trans with p.H232D (c.694C>G) in this individual (Katsushima F et al. Mol. Genet. Metab., 2006 Apr;87:323-8). This amino acid position is not well conserved in available vertebrate species. In addition, the in silico prediction for this alteration is inconclusive. Since supporting evidence is limited at this time, the clinical significance of this alteration remains unclear.

Labcorp Genetics (formerly Invitae), Labcorp
Classification: Uncertain significance for HYPERHOMOCYSTEINEMIA, THROMBOTIC, CBS-RELATED. Last evaluated: 2022-05-17. Review status: criteria provided, single submitter. Criteria: Invitae Variant Classification Sherloc (09022015). Collection method: clinical testing. Allele origin: germline.
Comment: This sequence change replaces aspartic acid, which is acidic and polar, with tyrosine, which is neutral and polar, at codon 35 of the CBS protein (p.Asp35Tyr). This variant is present in population databases (rs368471318, gnomAD 0.007%). This variant has not been reported in the literature in individuals affected with CBS-related conditions. Algorithms developed to predict the effect of missense changes on protein structure and function are either unavailable or do not agree on the potential impact of this missense change (SIFT: "Deleterious"; PolyPhen-2: "Benign"; Align-GVGD: "Class C0"). In summary, the available evidence is currently insufficient to determine the role of this variant in disease. Therefore, it has been classified as a Variant of Uncertain Significance.

Literature cited by the submitters: PubMed 16307898 (cited by Ambry Genetics).

NM_000071.3(CBS):c.103G>T (p.Asp35Tyr)

Gene: CBS (cystathionine beta-synthase; minus strand). Cytogenetic location: 21q22.3.
Variant type: single nucleotide variant.
Coding change: c.103G>T on transcript NM_000071.3 (MANE Select); coding-DNA position 103, G replaced by T.
Protein change: p.Asp35Tyr; replaces aspartic acid 35 with tyrosine.
Molecular consequence: missense variant.
Genome position (GRCh38, 1-based): chr21:43,072,091, C>A on the plus strand (G>T on the coding strand, the complement: CBS is on the minus strand). VCF-style: chr21-43072091-C-A. GRCh37 (hg19) VCF-style: chr21-44492201-C-A.
Other names: c.103G>T, p.Asp35Tyr (NM_001178008.3, NM_001178009.3, NM_001320298.2); short protein forms D35Y.
Identifiers: ClinVar variation 1773791 (VCV001773791.8), dbSNP rs368471318, ClinGen allele CA321103959.
Genomic context (GRCh38, chr21:43,072,091, plus strand): 5'-GCCAGGTGCACCTGCTCGGAGCATCGGGCCGGATCCACAGGGGCTCCTTGGCTTCCTTAT[C>A]CTCTGGGGACCCCTTCTCCAGGCTCCCCTTCGCCGAGTGTGGCCCTGAGCGGTGGGGGCA-3'
Protein context (NP_000062.1, residues 25-45): KGSLEKGSPE[Asp35Tyr]KEAKEPLWIR